The following is an entry in ClinVar:

ClinVar aggregate classification (germline): Uncertain significance (1 of 4 stars; one submission).

gnomAD v4.1: 16 of 1,595,160 alleles (0.001%); highest among the groups gnomAD compares: Middle Eastern, 0.017%; no homozygotes.

Submission:

Labcorp Genetics (formerly Invitae), Labcorp
Classification: Uncertain significance. Last evaluated: 2025-10-08. Review status: criteria provided, single submitter. Criteria: Invitae Variant Classification Sherloc (09022015). Collection method: clinical testing. Allele origin: germline.
Comment: This sequence change replaces arginine, which is basic and polar, with cysteine, which is neutral and slightly polar, at codon 362 of the CLIC5 protein (p.Arg362Cys). This variant is present in population databases (rs750232438, gnomAD 0.02%). This variant has not been reported in the literature in individuals affected with CLIC5-related conditions. ClinVar contains an entry for this variant (Variation ID: 3704950). An algorithm developed to predict the effect of missense changes on protein structure and function (PolyPhen-2) suggests that this variant is likely to be disruptive. In summary, the available evidence is currently insufficient to determine the role of this variant in disease. Therefore, it has been classified as a Variant of Uncertain Significance.

NM_016929.5(CLIC5):c.607C>T (p.Arg203Cys)

Gene: CLIC5 (chloride intracellular channel 5; minus strand). Cytogenetic location: 6p21.1.
Variant type: single nucleotide variant.
Coding change: c.607C>T on transcript NM_016929.5 (MANE Select); coding-DNA position 607, C replaced by T.
Protein change: p.Arg203Cys; replaces arginine 203 with cysteine.
Molecular consequence: missense variant. On other transcripts: non-coding transcript variant (2).
Genome position (GRCh38, 1-based): chr6:45,903,237, G>A on the plus strand (C>T on the coding strand, the complement: CLIC5 is on the minus strand). VCF-style: chr6-45903237-G-A. GRCh37 (hg19) VCF-style: chr6-45870974-G-A.
Other names: c.1084C>T, p.Arg362Cys (NM_001114086.2, NM_001370650.1); c.490C>T, p.Arg164Cys (NM_001370649.1); short protein forms R164C, R203C, R362C.
Identifiers: ClinVar variation 3704950 (VCV003704950.2).
Genomic context (GRCh38, chr6:45,903,237, plus strand): 5'-CATAGGCGTTCTTGAGGTACCGCCACAGGCCTGTCATCTCAGCCGGGATATCATAGTTGC[G>A]GTATTTCTTGGCCACAATCTAAAACAGAGATGGCAGGACAGAGGTGGTGTGAAGGCATGA-3'
Protein context (NP_058625.2, residues 193-213): HVVKIVAKKY[Arg203Cys]NYDIPAEMTG